The following is an entry in ClinVar:

NM_001005242.3(PKP2):c.963C>T (p.Val321=)

Gene: PKP2 (plakophilin 2; minus strand). Cytogenetic location: 12p11.21.
Variant type: single nucleotide variant.
Coding change: c.963C>T on transcript NM_001005242.3 (MANE Select); coding-DNA position 963, C replaced by T.
Protein change: p.Val321=; no amino-acid change (valine 321 retained).
Molecular consequence: synonymous variant.
Genome position (GRCh38, 1-based): chr12:32,877,917, G>A on the plus strand (C>T on the coding strand, the complement: PKP2 is on the minus strand). VCF-style: chr12-32877917-G-A. GRCh37 (hg19) VCF-style: chr12-33030851-G-A.
Other names: p.Val321=; c.963C>T, p.Val321= (NM_004572.4).
Identifiers: ClinVar variation 389892 (VCV000389892.23), dbSNP rs202207343, ClinGen allele CA039603.

ClinVar aggregate classification (germline): Likely benign. Review status: criteria provided, multiple submitters, no conflicts (2 of 4 stars). 9 submissions from 9 submitters: Likely benign (9). Last evaluated 2025-12-23.

Conditions:
Cardiovascular phenotype. Identifiers: MedGen CN230736.
Cardiomyopathy (CMYO). Also called: Cardiomyopathies. Identifiers: Orphanet 167848, MedGen C0878544, MONDO:0004994, HP:0001638. Inheritance: Various modes of inheritance.
Arrhythmogenic right ventricular dysplasia 9 (ARVD9). Also called: Arrhythmogenic Right Ventricular Dysplasia/Cardiomyopathy 9; ARRHYTHMOGENIC RIGHT VENTRICULAR DYSPLASIA, FAMILIAL, 9. Identifiers: MONDO:0012180, OMIM 609040, MedGen C1836906.
Arrhythmogenic right ventricular cardiomyopathy (ARVD). Also called: Arrhythmogenic Right Ventricular Cardiomyopathy (ARVC); Cardiomyopathy, ARVC; Arrhythmogenic right ventricular dysplasia; Arrhythmogenic cardiomyopathy. Identifiers: Orphanet 247, MedGen C0349788, MeSH D019571, MONDO:0016587. Disease mechanism: loss of function. Inheritance: Various modes of inheritance.

Allele frequency attached by ClinVar (database versions not stated): ExAC 0.00003; gnomAD exomes 0.00003; gnomAD 0.00004; TOPMed 0.00004.
gnomAD v4.1: 30 of 1,614,006 alleles (0.0019%); highest among the groups gnomAD compares: Admixed American, 0.0033%; no homozygotes.

Submissions (9):

Labcorp Genetics (formerly Invitae), Labcorp
Classification: Likely benign for Arrhythmogenic right ventricular dysplasia 9. Last evaluated: 2025-12-23. Review status: criteria provided, single submitter. Criteria: Invitae Variant Classification Sherloc (09022015). Collection method: clinical testing. Allele origin: germline.

Molecular Diagnostic Laboratory for Inherited Cardiovascular Disease, Montreal Heart Institute
Classification: Likely benign. Last evaluated: 2025-04-09. Review status: criteria provided, single submitter. Criteria: ACMG Guidelines, 2015. Collection method: clinical testing. Allele origin: germline. Affected: no.

Mayo Clinic Laboratories, Mayo Clinic
Classification: Likely benign. Last evaluated: 2025-03-18. Review status: criteria provided, single submitter. Criteria: ACMG Guidelines, 2015. Collection method: clinical testing. Allele origin: germline. Observed: 1 variant allele.
Comment: BP4, BP7

Blueprint Genetics
Classification: Likely benign. Last evaluated: 2023-12-18. Review status: criteria provided, single submitter. Criteria: ACMG Guidelines, 2015. Collection method: clinical testing. Allele origin: germline.

All of Us Research Program, National Institutes of Health
Classification: Likely benign for Arrhythmogenic right ventricular cardiomyopathy. Last evaluated: 2023-12-13. Review status: criteria provided, single submitter. Criteria: ACMG Guidelines, 2015. Collection method: clinical testing. Allele origin: germline. Inheritance: Autosomal dominant inheritance. Observed: 4 variant alleles, 4 heterozygotes.
Comment: This study involves interpretation of variants in research participants for the purpose of population health screening. Participant phenotype was not available at the time of variant classification. Additional details can be found in publication PMID: 35346344, PMCID: PMC8962531

Color Diagnostics, LLC DBA Color Health
Classification: Likely benign for Cardiomyopathy. Last evaluated: 2019-10-30. Review status: criteria provided, single submitter. Criteria: ACMG Guidelines, 2015. Collection method: clinical testing. Allele origin: germline.

CHEO Genetics Diagnostic Laboratory, Children's Hospital of Eastern Ontario
Classification: Likely benign for Cardiomyopathy. Last evaluated: 2019-03-13. Review status: criteria provided, single submitter. Criteria: ACMG Guidelines, 2015. Collection method: clinical testing. Allele origin: germline.

GeneDx
Classification: Likely benign. Last evaluated: 2018-05-02. Review status: criteria provided, single submitter. Criteria: GeneDx Variant Classification Process June 2021. Collection method: clinical testing. Allele origin: germline. Affected: yes.

Ambry Genetics
Classification: Likely benign for Cardiovascular phenotype. Last evaluated: 2017-12-15. Review status: criteria provided, single submitter. Criteria: Ambry Variant Classification Scheme 2023. Collection method: clinical testing. Allele origin: germline.